The following is an entry in ClinVar:

ClinVar aggregate classification (germline): Likely pathogenic (1 of 4 stars; one submission).

Conditions:
Dilated cardiomyopathy 1G (CMD1G). Identifiers: Orphanet 154, MedGen C1858763, MONDO:0011400, OMIM 604145.
Autosomal recessive limb-girdle muscular dystrophy type 2J (LGMDR10). Also called: Limb-girdle muscular dystrophy, type 2J; MUSCULAR DYSTROPHY, LIMB-GIRDLE, AUTOSOMAL RECESSIVE 10. Identifiers: Orphanet 140922, MedGen C1837342, MONDO:0012127, OMIM 608807.

Submission:

Labcorp Genetics (formerly Invitae), Labcorp
Classification: Likely pathogenic for Dilated cardiomyopathy 1G; Autosomal recessive limb-girdle muscular dystrophy type 2J. Last evaluated: 2024-03-06. Review status: criteria provided, single submitter. Criteria: Invitae Variant Classification Sherloc (09022015). Collection method: clinical testing. Allele origin: germline.
Comment: This sequence change creates a premature translational stop signal (p.Val30141Glyfs*14) in the TTN gene. While this is not anticipated to result in nonsense mediated decay, it is expected to create a truncated TTN protein. This variant is not present in population databases (gnomAD no frequency). This variant has not been reported in the literature in individuals affected with TTN-related conditions. ClinVar contains an entry for this variant (Variation ID: 969603). This variant is located in the A band of TTN (PMID: 25589632). Truncating variants in this region are significantly overrepresented in patients affected with dilated cardiomyopathy (PMID: 25589632). Truncating variants in this region have also been reported in individuals affected with autosomal recessive centronuclear myopathy (PMID: 23975875). In summary, the currently available evidence indicates that the variant is pathogenic, but additional data are needed to prove that conclusively. Therefore, this variant has been classified as Likely Pathogenic.

Literature cited by the submitters: PubMed 25589632; PubMed 23975875.

NM_001267550.2(TTN):c.90415_90421dup (p.Val30141fs)

Genes: TTN-AS1 (TTN antisense RNA 1; plus strand), TTN (titin; minus strand). Cytogenetic location: 2q31.2.
Variant type: Duplication.
Coding change: c.90415_90421dup on transcript NM_001267550.2 (MANE Select); coding-DNA positions 90415 to 90421, 7 bases duplicated (GCACAAG; older notation c.90415_90421dupGCACAAG).
Protein change: p.Val30141fs; shifts the reading frame from valine 30141.
Molecular consequence: frameshift variant.
Genome position (GRCh38, 1-based): chr2:178,552,479-178,552,485, CTTGTGC duplicated on the plus strand (GCACAAG on the coding strand, the reverse complement: TTN is on the minus strand); duplicating any 7 consecutive bases within chr2:178,552,479-178,552,486 gives the same sequence; the c. name uses the placement nearest the transcript's 3' end. VCF-style (leftmost placement, unchanged base first): chr2-178552478-A-ACTTGTGC. GRCh37 (hg19) VCF-style: chr2-179417205-A-ACTTGTGC.
Other names: c.85492_85498dup, p.Val28500fs (NM_001256850.1); c.63220_63226dup, p.Val21076fs (NM_003319.4); c.82711_82717dup, p.Val27573fs (NM_133378.4); c.63595_63601dup, p.Val21201fs (NM_133432.3); c.63796_63802dup, p.Val21268fs (NM_133437.4); short protein forms V28500fs, V30141fs, V21268fs, V27573fs, V21076fs, V21201fs.
Identifiers: ClinVar variation 969603 (VCV000969603.10), dbSNP rs1699828609, ClinGen allele CA1139657394.